The following is an entry in ClinVar:

ClinVar aggregate classification (germline): Conflicting classifications of pathogenicity. Review status: criteria provided, conflicting classifications (1 of 4 stars). 4 submissions from 4 submitters: Uncertain significance (3); Likely benign (1). Last evaluated 2024-09-20.

Conditions:
Intellectual developmental disorder, autosomal recessive 61. Also called: MENTAL RETARDATION, AUTOSOMAL RECESSIVE 61; Intellectual disability, autosomal recessive 61; ALWADEI SYNDROME. Identifiers: MedGen C4540424, MONDO:0030915, OMIM 617773.

Allele frequency attached by ClinVar (database versions not stated): gnomAD 0.00009; ExAC 0.00011; 1000 Genomes Project 0.00020; TOPMed 0.00009; 1000 Genomes Project 30x 0.00016; gnomAD exomes 0.00003 and 0.00008.
gnomAD v4.1: 68 of 1,613,722 alleles (0.0042%); highest among the groups gnomAD compares: Admixed American, 0.033%; no homozygotes.

Submissions (4):

3billion
Classification: Likely benign for Intellectual developmental disorder, autosomal recessive 61. Last evaluated: 2024-09-20. Review status: criteria provided, single submitter. Criteria: ACMG Guidelines, 2015. Collection method: clinical testing. Allele origin: germline. Affected: no.
Comment: The homozygous variant was found in patients diagnosed with another variant in a different gene, with no symptoms related to the gene containing the homozygous variant.

Ambry Genetics
Classification: Uncertain significance. Last evaluated: 2023-09-21. Review status: criteria provided, single submitter. Criteria: Ambry Variant Classification Scheme 2023. Collection method: clinical testing. Allele origin: germline.

Labcorp Genetics (formerly Invitae), Labcorp
Classification: Uncertain significance. Last evaluated: 2022-09-19. Review status: criteria provided, single submitter. Criteria: Invitae Variant Classification Sherloc (09022015). Collection method: clinical testing. Allele origin: germline.
Comment: This sequence change replaces glutamic acid, which is acidic and polar, with lysine, which is basic and polar, at codon 749 of the RUSC2 protein (p.Glu749Lys). This variant is present in population databases (rs563315271, gnomAD 0.03%). This variant has not been reported in the literature in individuals affected with RUSC2-related conditions. ClinVar contains an entry for this variant (Variation ID: 1380751). Algorithms developed to predict the effect of missense changes on protein structure and function (SIFT, PolyPhen-2, Align-GVGD) all suggest that this variant is likely to be tolerated. In summary, the available evidence is currently insufficient to determine the role of this variant in disease. Therefore, it has been classified as a Variant of Uncertain Significance.

Breakthrough Genomics
Classification: Uncertain significance. Review status: criteria provided, single submitter. Criteria: ACMG Guidelines, 2015. Collection method: not provided. Allele origin: germline. Inheritance: Autosomal recessive inheritance. Affected: yes.

NM_014806.5(RUSC2):c.2245G>A (p.Glu749Lys)

Gene: RUSC2 (RUN and SH3 domain containing 2; plus strand). Cytogenetic location: 9p13.3.
Variant type: single nucleotide variant.
Coding change: c.2245G>A on transcript NM_014806.5 (MANE Select); coding-DNA position 2245, G replaced by A.
Protein change: p.Glu749Lys; replaces glutamic acid 749 with lysine.
Molecular consequence: missense variant. On other transcripts: 5 prime UTR variant (1), non-coding transcript variant (1).
Genome position (GRCh38, 1-based): chr9:35,555,290, G>A. VCF-style: chr9-35555290-G-A. GRCh37 (hg19) VCF-style: chr9-35555287-G-A.
Other names: c.2245G>A, p.Glu749Lys (NM_001135999.2); c.-390G>A (NM_001330740.2); c.2245G>A (NM_001135999.1); short protein forms E749K.
Identifiers: ClinVar variation 1380751 (VCV001380751.6), dbSNP rs563315271, ClinGen allele CA5043831.